The following is an entry in ClinVar:

ClinVar aggregate classification (germline): Benign (0 of 4 stars; one submission).

Conditions:
LUM-related disorder. Also called: LUM-related condition.

Allele frequency attached by ClinVar (database versions not stated): gnomAD 0.00063; TOPMed 0.00085; ExAC 0.00145; 1000 Genomes Project 0.00399; 1000 Genomes Project 30x 0.00406.
gnomAD v4.1: 725 of 1,613,926 alleles (0.045%); highest among the groups gnomAD compares: East Asian, 1.3%; 4 homozygotes.

Submission:

PreventionGenetics, part of Exact Sciences
Classification: Benign for LUM-related condition. Last evaluated: 2019-06-26. Review status: no assertion criteria provided. Collection method: clinical testing. Allele origin: germline.
Comment: This variant is classified as benign based on ACMG/AMP sequence variant interpretation guidelines (Richards et al. 2015 PMID: 25741868, with internal and published modifications).

NM_002345.4(LUM):c.849C>T (p.Val283=)

Gene: LUM (lumican; minus strand). Cytogenetic location: 12q21.33.
Variant type: single nucleotide variant.
Coding change: c.849C>T on transcript NM_002345.4 (MANE Select); coding-DNA position 849, C replaced by T.
Protein change: p.Val283=; no amino-acid change (valine 283 retained).
Molecular consequence: synonymous variant.
Genome position (GRCh38, 1-based): chr12:91,108,131, G>A on the plus strand (C>T on the coding strand, the complement: LUM is on the minus strand). VCF-style: chr12-91108131-G-A. GRCh37 (hg19) VCF-style: chr12-91501908-G-A.
Identifiers: ClinVar variation 3042641 (VCV003042641.2), dbSNP rs181915277, ClinGen allele CA6716734.